The following is an entry in ClinVar:

NM_000059.4(BRCA2):c.7435+6G>A

Gene: BRCA2 (BRCA2 DNA repair associated; plus strand). Cytogenetic location: 13q13.1.
Variant type: single nucleotide variant.
Coding change: c.7435+6G>A on transcript NM_000059.4 (MANE Select); 6 bases into the intron after coding-DNA position 7435, G replaced by A.
Molecular consequence: intron variant.
Genome position (GRCh38, 1-based): chr13:32,355,294, G>A. VCF-style: chr13-32355294-G-A. GRCh37 (hg19) VCF-style: chr13-32929431-G-A.
Other names: p.?; IVS14+6G>A.
Identifiers: ClinVar variation 38096 (VCV000038096.116), dbSNP rs81002852, ClinGen allele CA025080.

ClinVar aggregate classification (germline): Conflicting classifications of pathogenicity. Review status: criteria provided, conflicting classifications (1 of 4 stars). 32 submissions from 31 submitters: Uncertain significance (2); Benign (11); Likely benign (9). 10 of the submissions do not count toward it. Last evaluated 2026-09-01.

Conditions:
BRCA2-related disorder. Also called: BRCA2-related condition; BRCA2-related disorders. Identifiers: MedGen CN239275.
Hereditary cancer-predisposing syndrome. Also called: Neoplastic Syndromes, Hereditary; Hereditary neoplastic syndrome; Hereditary Cancer Syndrome; Tumor predisposition. Identifiers: Orphanet 140162, MedGen C0027672, MeSH D009386, MONDO:0015356.
Breast and/or ovarian cancer. Identifiers: MedGen CN221562.
Hereditary breast ovarian cancer syndrome. Also called: Hereditary breast and ovarian cancer syndrome (HBOC); Breast and ovarian cancer; BRCA1- and BRCA2-Associated Hereditary Breast and Ovarian Cancer; Hereditary breast and ovarian cancer syndrome; Hereditary breast and ovarian cancer; Hereditary breast and/or ovarian cancer syndrome. Identifiers: Orphanet 145, MedGen C0677776, MeSH D061325, MONDO:0003582. Disease mechanism: loss of function.
Breast-ovarian cancer, familial, susceptibility to, 2 (BROVCA2). Also called: BRCA2 Hereditary Breast and Ovarian Cancer. Identifiers: Orphanet 145, MedGen C2675520, MONDO:0012933, OMIM 612555. Disease mechanism: loss of function.
Familial cancer of breast. Also called: Hereditary breast cancer; hereditary breast carcinoma; BREAST CANCER, FAMILIAL. Identifiers: Orphanet 227535, MedGen C0346153, MONDO:0016419, OMIM 114480. Disease mechanism: loss of function.

Allele frequency attached by ClinVar (database versions not stated): 1000 Genomes Project 30x 0.00078; gnomAD exomes 0.00009 and 0.00022; ExAC 0.00029; gnomAD 0.00054 and 0.00053; TOPMed 0.00071; ESP Exome Variant Server 0.00092; 1000 Genomes Project 0.00100.
gnomAD v4.1: 232 of 1,613,504 alleles (0.014%); highest among the groups gnomAD compares: African/African-American, 0.19%; 1 homozygote.

Submissions 1 to 23 of 32:

CeGaT Center for Human Genetics Tuebingen
Classification: Likely benign. Last evaluated: 2026-09-01. Review status: criteria provided, single submitter. Criteria: CeGaT Center For Human Genetics Tuebingen Variant Classification Criteria Version 2. Collection method: clinical testing. Allele origin: germline. Affected: yes. Observed: 3 variant alleles.
Comment: BRCA2: BP4, BS3:Supporting, BS2

Labcorp Genetics (formerly Invitae), Labcorp
Classification: Benign for Hereditary breast ovarian cancer syndrome. Last evaluated: 2026-02-02. Review status: criteria provided, single submitter. Criteria: Invitae Variant Classification Sherloc (09022015). Collection method: clinical testing. Allele origin: germline.

Dasa
Classification: Benign. Last evaluated: 2025-11-05. Review status: criteria provided, single submitter. Criteria: DASA Assertion Criteria. Collection method: clinical testing. Allele origin: germline.
Comment: NM_000059.4(BRCA2):c.7435+6G>A is a splice-region variant. Population frequency is inconsistent with a disease-causing role for this variant. Therefore, based on the currently available evidence, this variant is classified as benign.

Department of Clinical Genetics, Copenhagen University Hospital, Rigshospitalet
Classification: Benign for Familial cancer of breast. Last evaluated: 2025-05-02. Review status: criteria provided, single submitter. Criteria: ACMG Guidelines, 2015. Collection method: clinical testing. Allele origin: germline.
Comment: The following ACMG criteria has been used: BA1; BP7_Strong (RNA)

ARUP Laboratories, Molecular Genetics and Genomics, ARUP Laboratories
Classification: Benign. Last evaluated: 2025-04-03. Review status: criteria provided, single submitter. Criteria: ARUP Molecular Germline Variant Investigation Process 2024. Collection method: clinical testing. Allele origin: germline.

Molecular Diagnostics Laboratory, Catalan Institute of Oncology
Classification: Benign for Hereditary cancer-predisposing syndrome. Last evaluated: 2025-04-02. Review status: criteria provided, single submitter. Criteria: ClinGen BRCA1BRCA2 ACMG Specifications BRCA2 V1.0.0. Collection method: clinical testing. Allele origin: germline.
Comment: BA1, BP5_Strong, BP7_Strong (RNA) BRCA2 c.7435+6G>A is an intronic variant located close to the canonical splice site of exon 14, an exon outside a (potentially) clinically important functional domain. The variant allele was found in 54/23468 alleles, with a filtering allele frequency of 0.1636% at 99% confidence, within the African population in the gnomAD v2.1.1 database (non-cancer data set) (BA1). The SpliceAI algorithm predicts no significant impact on splicing and RNA studies show that this variant doesn't affect splicing (PMID: 21769658, 21394826, 29750258, 31191615) (BP7_Strong (RNA)). Published clinical data for a multifactorial likelihood analysis (PMID: 31131967) showed a combined LR indicative of strong evidence towards benign (LR 0.0194), based on segregation (LR 0.0517), tumour characteristics (LR 1.116), co-occurrence (LR 3.1252) and family history (LR 0.1074) (BP5_Strong). In addition, the variant has been identified in the ClinVar database (9x benign, 13x likely benign, 4x uncertain significance) and BRCA Exchange database (not yet reviewed), but it is not present in the LOVD database. Based on the currently available information, c.7435+6G>A is classified as a benign variant according to ClinGen-BRCA2 Guidelines version v1.0.0.

Center for Genomic Medicine, Rigshospitalet, Copenhagen University Hospital
Classification: Benign. Last evaluated: 2025-03-04. Review status: criteria provided, single submitter. Criteria: ACMG Guidelines, 2015. Collection method: clinical testing. Allele origin: germline.

Blueprint Genetics
Classification: Likely benign. Last evaluated: 2024-10-31. Review status: criteria provided, single submitter. Criteria: ACMG Guidelines, 2015. Collection method: clinical testing. Allele origin: germline.

Mayo Clinic Laboratories, Mayo Clinic
Classification: Benign. Last evaluated: 2024-06-21. Review status: criteria provided, single submitter. Criteria: ACMG Guidelines, 2015. Collection method: clinical testing. Allele origin: germline. Observed: 7 variant alleles.
Comment: BA1, BP4

Institute for Biomarker Research, Medical Diagnostic Laboratories, L.L.C.
Classification: Benign for Hereditary breast ovarian cancer syndrome. Last evaluated: 2023-06-27. Review status: criteria provided, single submitter. Criteria: ACMG Guidelines, 2015. Collection method: clinical testing. Allele origin: germline.

CHEO Genetics Diagnostic Laboratory, Children's Hospital of Eastern Ontario
Classification: Likely benign for Breast and/or ovarian cancer. Last evaluated: 2022-09-02. Review status: criteria provided, single submitter. Criteria: ACMG Guidelines, 2015. Collection method: clinical testing. Allele origin: germline.

Quest Diagnostics Nichols Institute San Juan Capistrano
Classification: Benign. Last evaluated: 2022-04-15. Review status: criteria provided, single submitter. Criteria: Quest Diagnostics criteria. Collection method: clinical testing. Allele origin: unknown.

National Health Laboratory Service, Universitas Academic Hospital and University of the Free State
Classification: Uncertain significance for Hereditary breast ovarian cancer syndrome. Last evaluated: 2021-11-16. Review status: criteria provided, single submitter. Criteria: ACMG Guidelines, 2015. Collection method: clinical testing. Allele origin: germline. Affected: yes. Observed: 3 variant alleles.

Genetics Program, Instituto Nacional de Cancer
Classification: Likely benign for Hereditary breast ovarian cancer syndrome. Last evaluated: 2021-11-01. Review status: criteria provided, single submitter. Criteria: ACMG Guidelines, 2015. Collection method: research. Allele origin: germline. Affected: yes.

Sema4
Classification: Likely benign for Hereditary cancer-predisposing syndrome. Last evaluated: 2021-04-16. Review status: criteria provided, single submitter. Criteria: Sema4 Curation Guidelines. Collection method: curation. Allele origin: germline.

Mendelics
Classification: Likely benign for Breast-ovarian cancer, familial, susceptibility to, 2. Last evaluated: 2019-05-28. Review status: criteria provided, single submitter. Criteria: Mendelics Assertion Criteria 2017. Collection method: clinical testing. Allele origin: unknown.

Institute for Biomarker Research, Medical Diagnostic Laboratories, L.L.C.
Classification: Likely benign for Hereditary cancer-predisposing syndrome. Last evaluated: 2018-05-23. Review status: criteria provided, single submitter. Criteria: ACMG Guidelines, 2015. Collection method: clinical testing. Allele origin: germline.

Genetic Services Laboratory, University of Chicago
Classification: Likely benign. Last evaluated: 2016-08-24. Review status: criteria provided, single submitter. Criteria: ACMG Guidelines, 2015. Collection method: clinical testing. Allele origin: germline. Affected: no.

Vantari Genetics
Classification: Uncertain significance for Hereditary cancer-predisposing syndrome. Last evaluated: 2016-02-05. Review status: criteria provided, single submitter. Criteria: ACMG Guidelines, 2015. Collection method: clinical testing. Allele origin: germline.

Color Diagnostics, LLC DBA Color Health
Classification: Benign for Hereditary cancer-predisposing syndrome. Last evaluated: 2016-01-05. Review status: criteria provided, single submitter. Criteria: ACMG Guidelines, 2015. Collection method: clinical testing. Allele origin: germline.

Ambry Genetics
Classification: Likely benign for Hereditary cancer-predisposing syndrome. Last evaluated: 2015-02-28. Review status: criteria provided, single submitter. Criteria: Ambry Variant Classification Scheme 2023. Collection method: clinical testing. Allele origin: germline.

GeneDx
Classification: Benign. Last evaluated: 2013-10-30. Review status: criteria provided, single submitter. Criteria: GeneDx Variant Classification (06012015). Collection method: clinical testing. Allele origin: germline. Affected: yes.
Comment: This variant is considered likely benign or benign based on one or more of the following criteria: it is a conservative change, it occurs at a poorly conserved position in the protein, it is predicted to be benign by multiple in silico algorithms, and/or has population frequency not consistent with disease.

PreventionGenetics, part of Exact Sciences
Classification: Likely benign for BRCA2-related condition. Last evaluated: 2019-04-22. Review status: no assertion criteria provided. Collection method: clinical testing. Allele origin: germline. Not counted in ClinVar's aggregate classification.
Comment: This variant is classified as likely benign based on ACMG/AMP sequence variant interpretation guidelines (Richards et al. 2015 PMID: 25741868, with internal and published modifications).